The following is an entry in ClinVar:

ClinVar aggregate classification (germline): Uncertain significance (1 of 4 stars; one submission).

Submission:

Labcorp Genetics (formerly Invitae), Labcorp
Classification: Uncertain significance. Last evaluated: 2018-12-13. Review status: criteria provided, single submitter. Criteria: Invitae Variant Classification Sherloc (09022015). Collection method: clinical testing. Allele origin: germline.
Comment: This sequence change replaces alanine with threonine at codon 233 of the SZT2 protein (p.Ala233Thr). The alanine residue is weakly conserved and there is a small physicochemical difference between alanine and threonine. This variant is not present in population databases (ExAC no frequency). This variant has not been reported in the literature in individuals with SZT2-related conditions. Algorithms developed to predict the effect of missense changes on protein structure and function are either unavailable or do not agree on the potential impact of this missense change (SIFT: "Tolerated"; PolyPhen-2: "Possibly Damaging"; Align-GVGD: "Class C0"). In summary, the available evidence is currently insufficient to determine the role of this variant in disease. Therefore, it has been classified as a Variant of Uncertain Significance.

NM_001365999.1(SZT2):c.697G>A (p.Ala233Thr)

Gene: SZT2 (SZT2 subunit of KICSTOR complex; plus strand). Cytogenetic location: 1p34.2.
Variant type: single nucleotide variant.
Coding change: c.697G>A on transcript NM_001365999.1 (MANE Select); coding-DNA position 697, G replaced by A.
Protein change: p.Ala233Thr; replaces alanine 233 with threonine.
Molecular consequence: missense variant.
Genome position (GRCh38, 1-based): chr1:43,416,026, G>A. VCF-style: chr1-43416026-G-A. GRCh37 (hg19) VCF-style: chr1-43881697-G-A.
Other names: c.697G>A, p.Ala233Thr (NM_015284.4); short protein forms A233T.
Identifiers: ClinVar variation 653003 (VCV000653003.1), dbSNP rs1570606622, ClinGen allele CA340002202.
Genomic context (GRCh38, chr1:43,416,026, plus strand): 5'-GACCAGTCCCCAGACTCAGGGGACCTACTGGGCCGGAAGGTAGGCGTCTCCATGGTGACA[G>A]CTGATCTTGGGCTGGTCAGTATGATTCGTCAGGGCATCTTGGCACTGCAGTTACTACCCT-3'
Protein context (NP_001352928.1, residues 223-243): GRKVGVSMVT[Ala233Thr]DLGLVSMIRQ